The following is an entry in ClinVar:

NM_000478.6(ALPL):c.967A>G (p.Asn323Asp)

Gene: ALPL (alkaline phosphatase, biomineralization associated; plus strand). Cytogenetic location: 1p36.12.
Variant type: single nucleotide variant.
Coding change: c.967A>G on transcript NM_000478.6 (MANE Select); coding-DNA position 967, A replaced by G.
Protein change: p.Asn323Asp; replaces asparagine 323 with aspartic acid.
Molecular consequence: missense variant.
Genome position (GRCh38, 1-based): chr1:21,573,769, A>G. VCF-style: chr1-21573769-A-G. GRCh37 (hg19) VCF-style: chr1-21900262-A-G.
Other names: c.802A>G, p.Asn268Asp (NM_001127501.4); c.736A>G, p.Asn246Asp (NM_001177520.3); c.967A>G, p.Asn323Asp (NM_001369803.2, NM_001369804.2, NM_001369805.2); short protein forms N268D, N323D, N246D.
Identifiers: ClinVar variation 1471027 (VCV001471027.8), dbSNP rs2148184736, ClinGen allele CA338880380.
Genomic context (GRCh38, chr1:21,573,769, plus strand): 5'-AACGTGACGGACCCGTCACTCTCCGAGATGGTGGTGGTGGCCATCCAGATCCTGCGGAAG[A>G]ACCCCAAAGGCTTCTTCTTGCTGGTGGAAGGTAGGGACCCCGGGTCTGCTGAGAGGGGGC-3'
Protein context (NP_000469.3, residues 313-333): VVVAIQILRK[Asn323Asp]PKGFFLLVEG

ClinVar aggregate classification (germline): Conflicting classifications of pathogenicity. Review status: criteria provided, conflicting classifications (1 of 4 stars). 3 submissions from 3 submitters: Likely pathogenic (1); Uncertain significance (2). Last evaluated 2026-09-01.

Conditions:
Hypophosphatasia. Also called: Phosphoethanol-aminuria. Identifiers: Orphanet 436, MedGen C0020630, MeSH D007014, MONDO:0018570.

Submissions (3):

Genomenon, Inc
Classification: Uncertain significance for Hypophosphatasia. Last evaluated: 2026-09-01. Review status: criteria provided, single submitter. Criteria: Genomenon Sequence Variant Interpretation Standards - Updated. Collection method: curation. Allele origin: germline. Affected: no.
Comment: ALPL p.Asn323Asp (c.967A>G) is a missense variant that changes the amino acid at codon 323 from Asparagine to Aspartic acid. This variant has been reported in the published literature (PMID:40386289). It is absent or not present at a significant frequency in gnomAD. In silico models predict that this variant is possibly or probably damaging. In conclusion, we classify ALPL p.Asn323Asp (c.967A>G) as a variant of uncertain significance.

JKU Lab, Dept of Paediatrics, Johannes Kepler University
Classification: Uncertain significance for Hypophosphatasia. Last evaluated: 2023-10-24. Review status: criteria provided, single submitter. Criteria: ACMG Guidelines, 2015. Collection method: curation, in vitro. Allele origin: germline, not applicable. Functional consequence: decreased enzyme activity.
Comment: This missense variant is not present in GnomAD 4.1 and affects a highly conserved amino acid, not in the active site domain. The variant is predicted to affect protein function (REVEL score: 0.837). Splice-prediction algorithms predict no effect on splicing. In vitro functional studies showed reduced ALP activity without a dominant negative effect. This variant has not been reported in the literature in individuals affected by ALPL-related conditions. The results of the functional testing and the applied ACMG criteria can be viewed at an online resource

Labcorp Genetics (formerly Invitae), Labcorp
Classification: Likely pathogenic. Last evaluated: 2021-11-03. Review status: criteria provided, single submitter. Criteria: Invitae Variant Classification Sherloc (09022015). Collection method: clinical testing. Allele origin: germline.
Comment: In summary, the currently available evidence indicates that the variant is pathogenic, but additional data are needed to prove that conclusively. Therefore, this variant has been classified as Likely Pathogenic. Advanced modeling of protein sequence and biophysical properties (such as structural, functional, and spatial information, amino acid conservation, physicochemical variation, residue mobility, and thermodynamic stability) performed at Invitae indicates that this missense variant is expected to disrupt ALPL protein function. This missense change has been observed in individual(s) with autosomal dominant hypophosphatasia (Invitae). This variant is not present in population databases (gnomAD no frequency). This sequence change replaces asparagine, which is neutral and polar, with aspartic acid, which is acidic and polar, at codon 323 of the ALPL protein (p.Asn323Asp).

Literature cited by the submitters: PubMed 40386289 (cited by Genomenon, Inc).